The following is an entry in ClinVar:

ClinVar aggregate classification (germline): Pathogenic (1 of 4 stars; one submission).

Submission:

Labcorp Genetics (formerly Invitae), Labcorp
Classification: Pathogenic. Last evaluated: 2022-05-12. Review status: criteria provided, single submitter. Criteria: Invitae Variant Classification Sherloc (09022015). Collection method: clinical testing. Allele origin: germline.
Comment: This sequence change creates a premature translational stop signal (p.Glu1198Trpfs*17) in the PCDH15 gene. It is expected to result in an absent or disrupted protein product. Loss-of-function variants in PCDH15 are known to be pathogenic (PMID: 11398101, 11487575, 14570705). This variant is not present in population databases (gnomAD no frequency). This variant has not been reported in the literature in individuals affected with PCDH15-related conditions. For these reasons, this variant has been classified as Pathogenic.

Literature cited by the submitters: PubMed 11398101; PubMed 11487575; PubMed 14570705.

NM_001384140.1(PCDH15):c.3590_3591dup (p.Glu1198fs)

Gene: PCDH15 (protocadherin related 15; minus strand). Cytogenetic location: 10q21.1.
Variant type: Duplication.
Coding change: c.3590_3591dup on transcript NM_001384140.1 (MANE Select); coding-DNA positions 3590 to 3591, 2 bases duplicated (TG; older notation c.3590_3591dupTG).
Protein change: p.Glu1198fs; shifts the reading frame from glutamic acid 1198.
Molecular consequence: frameshift variant.
Genome position (GRCh38, 1-based): chr10:53,866,768-53,866,769, CA duplicated on the plus strand (TG on the coding strand, the reverse complement: PCDH15 is on the minus strand); duplicating any 2 consecutive bases within chr10:53,866,768-53,866,770 gives the same sequence; the c. name uses the placement nearest the transcript's 3' end. VCF-style (leftmost placement, unchanged base first): chr10-53866767-C-CCA. GRCh37 (hg19) VCF-style: chr10-55626527-C-CCA.
Other names: c.3605_3606dup, p.Glu1203fs (NM_001142763.2, NM_001142771.2); c.3590_3591dup, p.Glu1198fs (NM_001142764.2, NM_001142766.2, NM_001142770.3 and 4 more transcripts); c.3377_3378dup, p.Glu1127fs (NM_001142765.2); c.3479_3480dup, p.Glu1161fs (NM_001142767.2); c.3524_3525dup, p.Glu1176fs (NM_001142768.2, NM_001142773.2, NM_001354404.2); c.3625_3626dup, p.Glu1210Trpfs (NM_001142769.4); c.3611_3612dup, p.Glu1205fs (NM_001354411.2); short protein forms E1127fs, E1176fs, E1198fs, E1205fs, E1161fs, E1203fs, E1210fs.
Identifiers: ClinVar variation 1993792 (VCV001993792.4), dbSNP rs2493336930, ClinGen allele CA2580081616.